The following is an entry in ClinVar:

NM_005359.6(SMAD4):c.*5131A>G

Gene: SMAD4 (SMAD family member 4; plus strand). Cytogenetic location: 18q21.2.
Variant type: single nucleotide variant.
Coding change: c.*5131A>G on transcript NM_005359.6 (MANE Select); 5131 bases downstream of the stop codon, A replaced by G.
Molecular consequence: 3 prime UTR variant.
Genome position (GRCh38, 1-based): chr18:51,083,598, A>G. VCF-style: chr18-51083598-A-G. GRCh37 (hg19) VCF-style: chr18-48609968-A-G.
Identifiers: ClinVar variation 327175 (VCV000327175.16), dbSNP rs12456284, ClinGen allele CA10650992.

ClinVar aggregate classification (germline): Benign; confers sensitivity. Review status: criteria provided, multiple submitters, no conflicts (2 of 4 stars). 6 submissions from 4 submitters: Benign (5). Last evaluated 2018-07-03.

Conditions:
Lung cancer. Also called: Malignant tumor of lung; Lung cancer, somatic. Identifiers: MedGen C0242379, MONDO:0008903, OMIM 211980.
Myhre syndrome (MYHRS). Also called: LARYNGOTRACHEAL STENOSIS, ARTHROPATHY, PROGNATHISM, AND SHORT STATURE; LAPS SYNDROME. Identifiers: Orphanet 2588, MedGen C0796081, MONDO:0007688, OMIM 139210.
Juvenile polyposis/hereditary hemorrhagic telangiectasia syndrome (JPHT). Also called: JP/HHT SYNDROME; JUVENILE POLYPOSIS WITH HEREDITARY HEMORRHAGIC TELANGIECTASIA; POLYPOSIS, GENERALIZED JUVENILE, WITH PULMONARY ARTERIOVENOUS MALFORMATION; TELANGIECTASIA, HEREDITARY HEMORRHAGIC, WITH JUVENILE POLYPOSIS COLI; Juvenile Polyposis Syndrome / Hereditary Hemorrhagic Telangiectasia (JPS/HHT). Identifiers: Orphanet 2929, MedGen C1832942, MONDO:0008278, OMIM 175050.
Generalized juvenile polyposis/juvenile polyposis coli. Also called: Juvenile polyposis coli. Identifiers: Orphanet 329971, MedGen C1868081, MONDO:0008276.

Allele frequency attached by ClinVar (database versions not stated): gnomAD 0.19420 and 0.19706; TOPMed 0.19712; 1000 Genomes Project 30x 0.19738; 1000 Genomes Project 0.20268; gnomAD exomes 0.27527.
gnomAD v4.1: 50,907 of 227,582 alleles (22%); highest among the groups gnomAD compares: East Asian, 41%; 6,909 homozygotes.

Submissions (6):

ARUP Laboratories, Molecular Genetics and Genomics, ARUP Laboratories
Classification: Benign. Last evaluated: 2018-07-03. Review status: criteria provided, single submitter. Criteria: ARUP Molecular Germline Variant Investigation Process. Collection method: clinical testing. Allele origin: germline.

Illumina Laboratory Services, Illumina
Classification: Benign for Juvenile polyposis syndrome. Last evaluated: 2018-01-12. Review status: criteria provided, single submitter. Criteria: ICSL Variant Classification Criteria 13 December 2019. Collection method: clinical testing. Allele origin: germline.
Comment: This variant was observed in the ICSL laboratory as part of a predisposition screen in an ostensibly healthy population. It had not been previously curated by ICSL or reported in the Human Gene Mutation Database (HGMD: prior to June 1st, 2018), and was therefore a candidate for classification through an automated scoring system. Utilizing variant allele frequency, disease prevalence and penetrance estimates, and inheritance mode, an automated score was calculated to assess if this variant is too frequent to cause the disease. Based on the score and internal cut-off values, a variant classified as benign is not then subjected to further curation. The score for this variant resulted in a classification of benign for this disease.

Illumina Laboratory Services, Illumina
Classification: Benign for Myhre syndrome. Last evaluated: 2018-01-12. Review status: criteria provided, single submitter. Criteria: ICSL Variant Classification Criteria 13 December 2019. Collection method: clinical testing. Allele origin: germline.
Comment: the same text as in the submission from Illumina Laboratory Services, Illumina above.

Illumina Laboratory Services, Illumina
Classification: Benign for Juvenile polyposis/hereditary hemorrhagic telangiectasia syndrome. Last evaluated: 2018-01-12. Review status: criteria provided, single submitter. Criteria: ICSL Variant Classification Criteria 13 December 2019. Collection method: clinical testing. Allele origin: germline.
Comment: the same text as in the submission from Illumina Laboratory Services, Illumina above.

Kong Lab, Department of Radiation Oncology, Case Western Reserve University School of Medicine
Classification: confers sensitivity for Lung Cancer. Last evaluated: 2012-05-01. Review status: criteria provided, single submitter. Criteria: Jin JY et al. (Radiother Oncol 2015). Collection method: research. Allele origin: germline. Affected: yes. Observed: 16 variant alleles.
Comment: Improve the prediction accuracy for overal survival in non-small cell lung cancer patients

Breakthrough Genomics
Classification: Benign. Review status: criteria provided, single submitter. Criteria: ACMG Guidelines, 2015. Collection method: not provided. Allele origin: germline. Inheritance: Autosomal dominant inheritance. Affected: yes.

Literature cited by the submitters: PubMed 21515830 (cited by Kong Lab, Department of Radiation Oncology, Case Western Reserve University School of Medicine); PubMed 24465805 (cited by Kong Lab, Department of Radiation Oncology, Case Western Reserve University School of Medicine).